The following is an entry in ClinVar:

ClinVar aggregate classification (germline): Pathogenic (1 of 4 stars; one submission).

Conditions:
Familial hemophagocytic lymphohistiocytosis 3 (FHL3). Also called: UNC13D-Related Familial Hemophagocytic Lymphohistiocytosis (UNC13D-fHLH). Identifiers: Orphanet 540, MedGen C1837174, MONDO:0012146, OMIM 608898.

Submission:

Labcorp Genetics (formerly Invitae), Labcorp
Classification: Pathogenic for Familial hemophagocytic lymphohistiocytosis 3. Last evaluated: 2021-06-17. Review status: criteria provided, single submitter. Criteria: Invitae Variant Classification Sherloc (09022015). Collection method: clinical testing. Allele origin: germline.
Comment: This variant has not been reported in the literature in individuals with UNC13D-related conditions. This variant is not present in population databases (ExAC no frequency). This sequence change creates a premature translational stop signal (p.Ser358Lysfs*103) in the UNC13D gene. It is expected to result in an absent or disrupted protein product. Loss-of-function variants in UNC13D are known to be pathogenic (PMID: 14622600). For these reasons, this variant has been classified as Pathogenic.

Literature cited by the submitters: PubMed 14622600.

NM_199242.3(UNC13D):c.1072dup (p.Ser358fs)

Gene: UNC13D (unc-13 homolog D; minus strand). Cytogenetic location: 17q25.1.
Variant type: Duplication.
Coding change: c.1072dup on transcript NM_199242.3 (MANE Select); coding-DNA position 1072, one base duplicated (A; older notation c.1072dupA).
Protein change: p.Ser358fs; shifts the reading frame from serine 358.
Molecular consequence: frameshift variant.
Genome position (GRCh38, 1-based): chr17:75,836,902, T duplicated on the plus strand (A on the coding strand, the reverse complement: UNC13D is on the minus strand). VCF-style (leftmost placement, unchanged base first): chr17-75836901-C-CT. GRCh37 (hg19) VCF-style: chr17-73832982-C-CT.
Other names: short protein forms S358fs.
Identifiers: ClinVar variation 1455815 (VCV001455815.6), dbSNP rs2143883327, ClinGen allele CA2573154835.
Genomic context (GRCh38, chr17:75,836,901, plus strand): 5'-ATGCTGGTGATGGGGTGCAGGAGGCAGCTGCTGGGGAACTCCAGGCTCTGGTAGAGGCGG[C>CT]TGTAGGCCAGCCACTGCCTGCAGGGGACAGGAAGCCCTCAGCTGGACAGGGAGGAGGAAA-3'